The following is an entry in ClinVar:

ClinVar aggregate classification (germline): Uncertain significance (1 of 4 stars; one submission).

Conditions:
Hereditary pancreatitis (PCTT). Also called: Hereditary chronic pancreatitis; PRSS1-Related Hereditary Pancreatitis. Identifiers: Orphanet 676, MedGen C0238339, MONDO:0008185, OMIM 167800.

Submission:

Ambry Genetics
Classification: Uncertain significance for Hereditary pancreatitis. Last evaluated: 2025-09-16. Review status: criteria provided, single submitter. Criteria: Ambry Variant Classification Scheme 2023. Collection method: clinical testing. Allele origin: germline.
Comment: The p.L26F variant (also known as c.76C>T), located in coding exon 2 of the CPA1 gene, results from a C to T substitution at nucleotide position 76. The leucine at codon 26 is replaced by phenylalanine, an amino acid with highly similar properties. This amino acid position is conserved. In addition, this alteration is predicted to be tolerated by in silico analysis. Based on the available evidence, the clinical significance of this variant remains unclear.

NM_001868.4(CPA1):c.76C>T (p.Leu26Phe)

Gene: CPA1 (carboxypeptidase A1; plus strand). Cytogenetic location: 7q32.2.
Variant type: single nucleotide variant.
Coding change: c.76C>T on transcript NM_001868.4 (MANE Select); coding-DNA position 76, C replaced by T.
Protein change: p.Leu26Phe; replaces leucine 26 with phenylalanine.
Molecular consequence: missense variant.
Genome position (GRCh38, 1-based): chr7:130,381,108, C>T. VCF-style: chr7-130381108-C-T. GRCh37 (hg19) VCF-style: chr7-130020949-C-T.
Other names: short protein forms L26F.
Identifiers: ClinVar variation 4559481 (VCV004559481.1).
Genomic context (GRCh38, chr7:130,381,108, plus strand): 5'-CCAGGGCAGGTGCAGCTTGGGTGCTCACTCCCCACTCCCACTCTGCCCAGGCATCAGGTG[C>T]TCCGAATCTCTGTAGCCGATGAGGCCCAGGTACAGAAGGTGAAGGAGCTGGAGGACCTGG-3'
Protein context (NP_001859.1, residues 16-36): GKEDFVGHQV[Leu26Phe]RISVADEAQV